The following is an entry in ClinVar:

ClinVar aggregate classification (germline): Likely benign (1 of 4 stars; one submission).

Submission:

CeGaT Center for Human Genetics Tuebingen
Classification: Likely benign. Last evaluated: 2026-01-01. Review status: criteria provided, single submitter. Criteria: CeGaT Center For Human Genetics Tuebingen Variant Classification Criteria Version 2. Collection method: clinical testing. Allele origin: germline. Affected: yes. Observed: 1 variant allele.
Comment: MUC16: BP4

NM_001401501.2(MUC16):c.24935T>G (p.Leu8312Arg)

Gene: MUC16 (mucin 16, cell surface associated; minus strand). Cytogenetic location: 19p13.2.
Variant type: single nucleotide variant.
Coding change: c.24935T>G on transcript NM_001401501.2 (MANE Select); coding-DNA position 24935, T replaced by G.
Protein change: p.Leu8312Arg; replaces leucine 8312 with arginine.
Molecular consequence: missense variant.
Genome position (GRCh38, 1-based): chr19:8,951,955, A>C on the plus strand (T>G on the coding strand, the complement: MUC16 is on the minus strand). VCF-style: chr19-8951955-A-C. GRCh37 (hg19) VCF-style: chr19-9062631-A-C.
Other names: c.25361T>G, p.Leu8454Arg (NM_001414686.1); c.24815T>G, p.Leu8272Arg (NM_001414687.1, NM_024690.2); short protein forms L8272R, L8312R, L8454R.
Identifiers: ClinVar variation 4821214 (VCV004821214.4).